The following is an entry in ClinVar:

NM_007186.6(CEP250):c.274G>A (p.Glu92Lys)

Gene: CEP250 (centrosomal protein 250; plus strand). Cytogenetic location: 20q11.22.
Variant type: single nucleotide variant.
Coding change: c.274G>A on transcript NM_007186.6 (MANE Select); coding-DNA position 274, G replaced by A.
Protein change: p.Glu92Lys; replaces glutamic acid 92 with lysine.
Molecular consequence: missense variant. On other transcripts: 5 prime UTR variant (1).
Genome position (GRCh38, 1-based): chr20:35,465,773, G>A. VCF-style: chr20-35465773-G-A. GRCh37 (hg19) VCF-style: chr20-34053598-G-A.
Other names: c.-1626G>A (NM_001318219.1); short protein forms E92K.
Identifiers: ClinVar variation 1511486 (VCV001511486.6), dbSNP rs2146703704, ClinGen allele CA408752691.

ClinVar aggregate classification (germline): Uncertain significance (1 of 4 stars; one submission).

Submission:

Labcorp Genetics (formerly Invitae), Labcorp
Classification: Uncertain significance. Last evaluated: 2022-04-26. Review status: criteria provided, single submitter. Criteria: Invitae Variant Classification Sherloc (09022015). Collection method: clinical testing. Allele origin: germline.
Comment: In summary, the available evidence is currently insufficient to determine the role of this variant in disease. Therefore, it has been classified as a Variant of Uncertain Significance. Algorithms developed to predict the effect of missense changes on protein structure and function output the following: SIFT: "Not Available"; PolyPhen-2: "Benign"; Align-GVGD: "Not Available". The lysine amino acid residue is found in multiple mammalian species, which suggests that this missense change does not adversely affect protein function. This variant has not been reported in the literature in individuals affected with CEP250-related conditions. This variant is not present in population databases (gnomAD no frequency). This sequence change replaces glutamic acid, which is acidic and polar, with lysine, which is basic and polar, at codon 92 of the CEP250 protein (p.Glu92Lys).